The following is an entry in ClinVar:

NM_006269.2(RP1):c.3986T>A (p.Ile1329Asn)

Gene: RP1 (RP1 axonemal microtubule associated; plus strand). Cytogenetic location: 8q12.1.
Variant type: single nucleotide variant.
Coding change: c.3986T>A on transcript NM_006269.2 (MANE Select); coding-DNA position 3986, T replaced by A.
Protein change: p.Ile1329Asn; replaces isoleucine 1329 with asparagine.
Molecular consequence: missense variant. On other transcripts: intron variant (1).
Genome position (GRCh38, 1-based): chr8:54,627,868, T>A. VCF-style: chr8-54627868-T-A. GRCh37 (hg19) VCF-style: chr8-55540428-T-A.
Other names: c.787+5580T>A (NM_001375654.1); short protein forms I1329N.
Identifiers: ClinVar variation 1005508 (VCV001005508.8), dbSNP rs1806116082, ClinGen allele CA370980862.

ClinVar aggregate classification (germline): Uncertain significance (1 of 4 stars; one submission).

Allele frequency attached by ClinVar (database versions not stated): gnomAD exomes below 0.00001.
gnomAD v4.1: 1 of 1,614,136 alleles (0.000062%); highest among the groups gnomAD compares: Non-Finnish European, 0.000085%; no homozygotes.

Submission:

Labcorp Genetics (formerly Invitae), Labcorp
Classification: Uncertain significance. Last evaluated: 2020-06-16. Review status: criteria provided, single submitter. Criteria: Invitae Variant Classification Sherloc (09022015). Collection method: clinical testing. Allele origin: germline.
Comment: This variant has not been reported in the literature in individuals with RP1-related conditions. This sequence change replaces isoleucine with asparagine at codon 1329 of the RP1 protein (p.Ile1329Asn). The isoleucine residue is weakly conserved and there is a large physicochemical difference between isoleucine and asparagine. This variant is not present in population databases (ExAC no frequency). Algorithms developed to predict the effect of missense changes on protein structure and function output the following: SIFT: "Tolerated"; PolyPhen-2: "Benign"; Align-GVGD: "Class C0". The asparagine amino acid residue is found in multiple mammalian species, suggesting that this missense change does not adversely affect protein function. These predictions have not been confirmed by published functional studies and their clinical significance is uncertain. In summary, the available evidence is currently insufficient to determine the role of this variant in disease. Therefore, it has been classified as a Variant of Uncertain Significance.